The following is an entry in ClinVar:

ClinVar aggregate classification (germline): Likely benign. Review status: criteria provided, multiple submitters, no conflicts (2 of 4 stars). 2 submissions from 2 submitters: Likely benign (2). Last evaluated 2026-01-26.

Conditions:
Hyper-IgE recurrent infection syndrome 1, autosomal dominant. Also called: STAT3 Hyper IgE Syndrome; HYPER-IgE SYNDROME 1, AUTOSOMAL DOMINANT, WITH RECURRENT INFECTIONS; Job's Syndrome; Hyper-IgE recurrent infection syndrome 1; JOB SYNDROME. Identifiers: Orphanet 2314, MedGen C2936739, MONDO:0007818, OMIM 147060.
STAT3 gain of function. Identifiers: MedGen C4288261.

Submissions (2):

Labcorp Genetics (formerly Invitae), Labcorp
Classification: Likely benign for STAT3 gain of function; Hyper-IgE recurrent infection syndrome 1, autosomal dominant. Last evaluated: 2026-01-26. Review status: criteria provided, single submitter. Criteria: Invitae Variant Classification Sherloc (09022015). Collection method: clinical testing. Allele origin: germline.

GeneDx
Classification: Likely benign. Last evaluated: 2016-09-15. Review status: criteria provided, single submitter. Criteria: GeneDx Variant Classification (06012015). Collection method: clinical testing. Allele origin: germline. Affected: yes.
Comment: This variant is considered likely benign or benign based on one or more of the following criteria: it is a conservative change, it occurs at a poorly conserved position in the protein, it is predicted to be benign by multiple in silico algorithms, and/or has population frequency not consistent with disease.

NM_139276.3(STAT3):c.551-57_551-18del

Gene: STAT3 (signal transducer and activator of transcription 3; minus strand). Cytogenetic location: 17q21.2.
Variant type: Microsatellite.
Coding change: c.551-57_551-18del on transcript NM_139276.3 (MANE Select); 57 bases into the intron before coding-DNA position 551 through 18 bases into the intron before coding-DNA position 551, 40 bases deleted.
Molecular consequence: intron variant.
Genome position (GRCh38, 1-based): chr17:42,337,875-42,337,914, 40 bases deleted; deleting any 40 consecutive bases within chr17:42,337,875-42,337,940 gives the same sequence; the c. name uses the placement nearest the transcript's 3' end. GRCh37 (hg19), VCF-style position (the base before the change): chr17:40,489,892.
Other names: c.551-57_551-18del40 (NM_139276.2); c.455-57_455-18del (NM_001384989.1); c.551-57_551-18del (NM_001384992.1, NM_001384984.1, NM_001369519.1 and 15 more transcripts); c.473-57_473-18del (NM_001384985.1); c.551-57_551-18delATTCCCTCAGGTCAAGGAGTATTCCCTCAGGTCAAGGAGT (NM_139276.2).
Identifiers: ClinVar variation 419911 (VCV000419911.10), dbSNP rs768181932, ClinGen allele CA8575608.